The following is an entry in ClinVar:

NM_001103146.3(GIGYF2):c.167A>G (p.Asn56Ser)

Gene: GIGYF2 (GRB10 interacting GYF protein 2; plus strand). Cytogenetic location: 2q37.1.
Variant type: single nucleotide variant.
Coding change: c.167A>G on transcript NM_001103146.3 (MANE Select); coding-DNA position 167, A replaced by G.
Protein change: p.Asn56Ser; replaces asparagine 56 with serine.
Molecular consequence: missense variant. On other transcripts: non-coding transcript variant (1).
Genome position (GRCh38, 1-based): chr2:232,747,740, A>G. VCF-style: chr2-232747740-A-G. GRCh37 (hg19) VCF-style: chr2-233612450-A-G.
Other names: c.167A>G, p.Asn56Ser (NM_001103147.2, NM_001103148.2, NM_015575.4); c.167A>G (NM_001103146.1, NM_001103146.2); short protein forms N56S.
Identifiers: ClinVar variation 753 (VCV000000753.4), dbSNP rs72554080, ClinGen allele CA251589.

ClinVar aggregate classification (germline): Uncertain significance. Review status: criteria provided, multiple submitters, no conflicts (2 of 4 stars). 4 submissions from 4 submitters: Uncertain significance (2). 2 of the submissions do not count toward it. Last evaluated 2024-07-03.

Conditions:
Parkinson disease 11, autosomal dominant, susceptibility to. Also called: Parkinson disease 11. Identifiers: Orphanet 411602, MedGen C4083045, MONDO:0011896, OMIM 607688.
GIGYF2-related disorder. Also called: GIGYF2-related condition.

Allele frequency attached by ClinVar (database versions not stated): gnomAD exomes 0.00026 and 0.00040; TOPMed 0.00028; gnomAD 0.00029 and 0.00033; ExAC 0.00032.
gnomAD v4.1: 620 of 1,613,654 alleles (0.038%); highest among the groups gnomAD compares: Non-Finnish European, 0.05%; no homozygotes.

Submissions (4):

Mayo Clinic Laboratories, Mayo Clinic
Classification: Uncertain significance. Last evaluated: 2024-07-03. Review status: criteria provided, single submitter. Criteria: ACMG Guidelines, 2015. Collection method: clinical testing. Allele origin: germline. Observed: 1 variant allele.

Women's Health and Genetics/Laboratory Corporation of America, LabCorp
Classification: Uncertain significance. Last evaluated: 2023-10-17. Review status: criteria provided, single submitter. Criteria: LabCorp Variant Classification Summary - May 2015. Collection method: clinical testing. Allele origin: germline.
Comment: Variant summary: GIGYF2 c.167A>G (p.Asn56Ser) results in a conservative amino acid change in the encoded protein sequence. Three of five in-silico tools predict a benign effect of the variant on protein function. The variant allele was found at a frequency of 0.00026 in 251020 control chromosomes. This frequency does not allow conclusions about variant significance. c.167A>G has been reported in the literature with conflicting reports of its association with Parkinson Disease with some studies reporting non-segregation with disease (example Nichols_2009, Vilarino-Guell_2009, Zimprich_2009), questioning the association with Parkinson Disease (example, Vilarino-Guell_2009) and some reporting it as a possible risk factor in Caucasians but not in Asians (example, Zhang_2015). These report(s) do not provide unequivocal conclusions about association of the variant with Parkinson Disease 11, Autosomal Dominant, Susceptibility To. To our knowledge, no experimental evidence demonstrating an impact on protein function has been reported. The following publications have been ascertained in the context of this evaluation (PMID: 19279319, 19133664, 26152800, 19250854). No submitters have cited clinical-significance assessments for this variant to ClinVar after 2014. Based on the evidence outlined above, the variant was classified as uncertain significance.

PreventionGenetics, part of Exact Sciences
Classification: Uncertain significance for GIGYF2-related condition. Last evaluated: 2024-04-29. Review status: no assertion criteria provided. Collection method: clinical testing. Allele origin: germline. Not counted in ClinVar's aggregate classification.
Comment: The GIGYF2 c.167A>G variant is predicted to result in the amino acid substitution p.Asn56Ser. This variant has been reported in individuals with Parkinson disease, although it did not segregate with disease in some families (Lautier et al. 2008. PubMed ID: 18358451; Zimprich et al. 2009. PubMed ID: 19250854; Nichols et al. 2009. PubMed ID: 19279319). It has also been observed in controls (Guella et al. 2010. PubMed ID: 20060621; Meeus et al. 2011. PubMed ID: 19321232). This variant has been described as a risk factor with an odds ratio of 1.7 (95% CI 0.98-2.90, P-value=0.06) reported in a recent publication (Zhang et al. 2015. PubMed ID: 26152800; Supplementary Table 3, Pitz et al. 2024. PubMed ID: 38191580). This variant is reported in 0.050% of alleles in individuals of European (non-Finnish) descent in gnomAD. At this time, the clinical significance of this variant is uncertain due to the absence of conclusive functional and genetic evidence.

OMIM
Classification: risk factor for PARKINSON DISEASE 11, AUTOSOMAL DOMINANT, SUSCEPTIBILITY TO. Last evaluated: 2009-08-01. Review status: no assertion criteria provided. Collection method: literature only. Allele origin: germline. Not counted in ClinVar's aggregate classification.

Literature cited by the submitters: PubMed 18358451 (cited by Mayo Clinic Laboratories, Mayo Clinic and OMIM); PubMed 19133664 (cited by Mayo Clinic Laboratories, Mayo Clinic and Women's Health and Genetics/Laboratory Corporation of America, LabCorp); PubMed 19250854 (cited by 3 submitters); PubMed 19279319 (cited by 3 submitters); PubMed 19638301 (cited by Mayo Clinic Laboratories, Mayo Clinic); PubMed 20060621 (cited by Mayo Clinic Laboratories, Mayo Clinic); PubMed 26152800 (cited by Mayo Clinic Laboratories, Mayo Clinic and Women's Health and Genetics/Laboratory Corporation of America, LabCorp).